The following is an entry in ClinVar:

ClinVar aggregate classification (germline): Uncertain significance (1 of 4 stars; one submission).

gnomAD v4.1: 1 of 1,613,874 alleles (0.000062%); highest among the groups gnomAD compares: Non-Finnish European, 0.000085%; no homozygotes.

Submission:

GeneDx
Classification: Uncertain significance. Last evaluated: 2022-07-12. Review status: criteria provided, single submitter. Criteria: GeneDx Variant Classification Process June 2021. Collection method: clinical testing. Allele origin: germline. Affected: yes.
Comment: Not observed at significant frequency in large population cohorts (gnomAD); In silico analysis supports that this missense variant has a deleterious effect on protein structure/function; Has not been previously published as pathogenic or benign to our knowledge; This variant is associated with the following publications: (PMID: 1730412)

NM_002382.5(MAX):c.456G>C (p.Arg152Ser)

Gene: MAX (MYC associated factor X; minus strand). Cytogenetic location: 14q23.3.
Variant type: single nucleotide variant.
Coding change: c.456G>C on transcript NM_002382.5 (MANE Select); coding-DNA position 456, G replaced by C.
Protein change: p.Arg152Ser; replaces arginine 152 with serine.
Molecular consequence: missense variant. On other transcripts: 3 prime UTR variant (1), intron variant (2).
Genome position (GRCh38, 1-based): chr14:65,076,503, C>G on the plus strand (G>C on the coding strand, the complement: MAX is on the minus strand). VCF-style: chr14-65076503-C-G. GRCh37 (hg19) VCF-style: chr14-65543221-C-G.
Other names: c.267G>C, p.Arg89Ser (NM_001320415.2, NM_001407105.1, NM_001407106.1 and 1 more transcripts); c.456G>C, p.Arg152Ser (NM_001407094.1); c.429G>C, p.Arg143Ser (NM_001407095.1, NM_145112.3); c.*229G>C (NM_001407096.1, NM_001407099.1, NM_001407102.1 and 2 more transcripts); c.*245G>C (NM_001407097.1, NM_001407100.1, NM_001407101.1 and 4 more transcripts); c.348G>C, p.Arg116Ser (NM_001407098.1); c.255G>C, p.Arg85Ser (NM_001407111.1, NM_001407112.1); c.144+17205G>C (NM_001271069.2); and 1 more; short protein forms R116S, R143S, R152S, R85S, R89S.
Identifiers: ClinVar variation 1878967 (VCV001878967.1), dbSNP rs546006873, ClinGen allele CA390031208.